The following is an entry in ClinVar:

ClinVar aggregate classification (germline): Uncertain significance (1 of 4 stars; one submission).

Submission:

Labcorp Genetics (formerly Invitae), Labcorp
Classification: Uncertain significance. Last evaluated: 2024-10-10. Review status: criteria provided, single submitter. Criteria: Invitae Variant Classification Sherloc (09022015). Collection method: clinical testing. Allele origin: germline.
Comment: This sequence change replaces alanine, which is neutral and non-polar, with valine, which is neutral and non-polar, at codon 1741 of the KAT6A protein (p.Ala1741Val). This variant is not present in population databases (gnomAD no frequency). This variant has not been reported in the literature in individuals affected with KAT6A-related conditions. Invitae Evidence Modeling of protein sequence and biophysical properties (such as structural, functional, and spatial information, amino acid conservation, physicochemical variation, residue mobility, and thermodynamic stability) indicates that this missense variant is not expected to disrupt KAT6A protein function with a negative predictive value of 95%. In summary, the available evidence is currently insufficient to determine the role of this variant in disease. Therefore, it has been classified as a Variant of Uncertain Significance.

NM_006766.5(KAT6A):c.5222C>T (p.Ala1741Val)

Gene: KAT6A (lysine acetyltransferase 6A; minus strand). Cytogenetic location: 8p11.21.
Variant type: single nucleotide variant.
Coding change: c.5222C>T on transcript NM_006766.5 (MANE Select); coding-DNA position 5222, C replaced by T.
Protein change: p.Ala1741Val; replaces alanine 1741 with valine.
Molecular consequence: missense variant.
Genome position (GRCh38, 1-based): chr8:41,932,998, G>A on the plus strand (C>T on the coding strand, the complement: KAT6A is on the minus strand). VCF-style: chr8-41932998-G-A. GRCh37 (hg19) VCF-style: chr8-41790516-G-A.
Other names: short protein forms A1741V.
Identifiers: ClinVar variation 3720524 (VCV003720524.2).